The following is an entry in ClinVar:

ClinVar aggregate classification (germline): Uncertain significance (1 of 4 stars; one submission).

Allele frequency attached by ClinVar (database versions not stated): gnomAD exomes below 0.00001 and 0.00001.
gnomAD v4.1: 3 of 1,594,938 alleles (0.00019%); highest among the groups gnomAD compares: Non-Finnish European, 0.00017%; no homozygotes.

Submission:

Labcorp Genetics (formerly Invitae), Labcorp
Classification: Uncertain significance. Last evaluated: 2021-12-16. Review status: criteria provided, single submitter. Criteria: Invitae Variant Classification Sherloc (09022015). Collection method: clinical testing. Allele origin: germline.
Comment: This sequence change replaces glycine, which is neutral and non-polar, with valine, which is neutral and non-polar, at codon 134 of the APOPT1 protein (p.Gly134Val). This variant is present in population databases (no rsID available, gnomAD 0.005%). This variant has not been reported in the literature in individuals affected with APOPT1-related conditions. Algorithms developed to predict the effect of missense changes on protein structure and function are either unavailable or do not agree on the potential impact of this missense change (SIFT: "Deleterious"; PolyPhen-2: "Probably Damaging"; Align-GVGD: "Class C0"). In summary, the available evidence is currently insufficient to determine the role of this variant in disease. Therefore, it has been classified as a Variant of Uncertain Significance.

NM_001370595.2(COA8):c.362G>T (p.Gly121Val)

Gene: COA8 (cytochrome c oxidase assembly factor 8; plus strand). Cytogenetic location: 14q32.33.
Variant type: single nucleotide variant.
Coding change: c.362G>T on transcript NM_001370595.2 (MANE Select); coding-DNA position 362, G replaced by T.
Protein change: p.Gly121Val; replaces glycine 121 with valine.
Molecular consequence: missense variant. On other transcripts: non-coding transcript variant (1).
Genome position (GRCh38, 1-based): chr14:103,574,147, G>T. VCF-style: chr14-103574147-G-T. GRCh37 (hg19) VCF-style: chr14-104040484-G-T.
Other names: c.362G>T, p.Gly121Val (NM_001302653.2, NM_001302654.2); short protein forms G121V.
Identifiers: ClinVar variation 1681868 (VCV001681868.6), dbSNP rs1414839301, ClinGen allele CA391113945.
Genomic context (GRCh38, chr14:103,574,147, plus strand): 5'-TTTTTTTTTTTTTTTTTAAGGAAAAAGAAGAATTTATTCACTCAAGACTAAAAACTAAAG[G>T]CCTGGGCCTGAGAACTGAATCAGGTTAGTGTGTTTGTTTGATTGTTTTTTTTGCTTTCTT-3'
Protein context (NP_001357524.1, residues 111-131): EFIHSRLKTK[Gly121Val]LGLRTESGQK